The following is an entry in ClinVar:

ClinVar aggregate classification (germline): Pathogenic (1 of 4 stars; one submission).

Allele frequency attached by ClinVar (database versions not stated): gnomAD exomes below 0.00001.
gnomAD v4.1: 2 of 1,614,218 alleles (0.00012%); highest among the groups gnomAD compares: Non-Finnish European, 0.00017%; no homozygotes.

Submission:

Labcorp Genetics (formerly Invitae), Labcorp
Classification: Pathogenic. Last evaluated: 2025-07-29. Review status: criteria provided, single submitter. Criteria: Invitae Variant Classification Sherloc (09022015). Collection method: clinical testing. Allele origin: germline.
Comment: This sequence change creates a premature translational stop signal (p.Tyr1354*) in the LCT gene. It is expected to result in an absent or disrupted protein product. Loss-of-function variants in LCT are known to be pathogenic (PMID: 16400612, 25881162). This variant is not present in population databases (gnomAD no frequency). This variant has not been reported in the literature in individuals affected with LCT-related conditions. ClinVar contains an entry for this variant (Variation ID: 1456272). Algorithms developed to predict the effect of sequence changes on RNA splicing suggest that this variant may disrupt the consensus splice site. For these reasons, this variant has been classified as Pathogenic.

Literature cited by the submitters: PubMed 16400612; PubMed 25881162.

NM_002299.4(LCT):c.4062C>A (p.Tyr1354Ter)

Gene: LCT (lactase; minus strand). Cytogenetic location: 2q21.3.
Variant type: single nucleotide variant.
Coding change: c.4062C>A on transcript NM_002299.4 (MANE Select); coding-DNA position 4062, C replaced by A.
Protein change: p.Tyr1354Ter; replaces tyrosine 1354 with a stop codon.
Molecular consequence: nonsense.
Genome position (GRCh38, 1-based): chr2:135,807,239, G>T on the plus strand (C>A on the coding strand, the complement: LCT is on the minus strand). VCF-style: chr2-135807239-G-T. GRCh37 (hg19) VCF-style: chr2-136564809-G-T.
Other names: short protein forms Y1354*.
Identifiers: ClinVar variation 1456272 (VCV001456272.6), dbSNP rs2105531423, ClinGen allele CA348597580.
Genomic context (GRCh38, chr2:135,807,239, plus strand): 5'-GTACAGAAACTCATCCTCCCTGGCCAGTGGCATGCCGTTGTTGGTAATGACCTCTGTGTA[G>T]TACCTGGCGGAGGCTCTTGCTGTGCGAGGCCTGTTCGTGTTGTTGAAATCAACATGGTAC-3'